The following is an entry in ClinVar:

ClinVar aggregate classification (germline): Pathogenic. Review status: criteria provided, multiple submitters, no conflicts (2 of 4 stars). 2 submissions from 2 submitters: Pathogenic (2). Last evaluated 2025-05-31.

Conditions:
Alpha-N-acetylgalactosaminidase deficiency. Identifiers: Orphanet 3137, MedGen C5848084, MONDO:0017779.
Alpha-N-acetylgalactosaminidase deficiency type 1. Also called: NAGA DEFICIENCY, TYPE I; NEUROAXONAL DYSTROPHY, SCHINDLER TYPE; SCHINDLER DISEASE, TYPE I; ALPHA-N-ACETYLGALACTOSAMINIDASE DEFICIENCY, TYPE I. Identifiers: Orphanet 3137, Orphanet 79279, Orphanet 79281, MedGen C1836544, MONDO:0012221, OMIM 609241.

Allele frequency attached by ClinVar (database versions not stated): gnomAD exomes below 0.00001; gnomAD 0.00001.
gnomAD v4.1: 2 of 1,614,068 alleles (0.00012%); highest among the groups gnomAD compares: South Asian, 0.0022%; no homozygotes.

Submissions (2):

Myriad Genetics, Inc.
Classification: Pathogenic for Alpha-N-acetylgalactosaminidase deficiency. Last evaluated: 2025-05-31. Review status: criteria provided, single submitter. Criteria: Myriad Autosomal Dominant, Autosomal Recessive and X-Linked Classification Criteria (2023). Collection method: clinical testing. Allele origin: unknown.
Comment: NM_000262.2(NAGA):c.665G>A(W222*) is expected to be pathogenic in the context of NAGA-related disorders. This variant is predicted to lead to an abnormal or absent protein product due to the creation of a premature termination codon in NAGA, a gene where loss-of-function variants are known to be pathogenic. Please note: this variant was assessed in the context of healthy population screening.

Labcorp Genetics (formerly Invitae), Labcorp
Classification: Pathogenic for Alpha-N-acetylgalactosaminidase deficiency type 1. Last evaluated: 2023-06-23. Review status: criteria provided, single submitter. Criteria: Invitae Variant Classification Sherloc (09022015). Collection method: clinical testing. Allele origin: germline.
Comment: This variant is not present in population databases (gnomAD no frequency). This variant has not been reported in the literature in individuals affected with NAGA-related conditions. For these reasons, this variant has been classified as Pathogenic. This sequence change creates a premature translational stop signal (p.Trp222*) in the NAGA gene. It is expected to result in an absent or disrupted protein product. Loss-of-function variants in NAGA are known to be pathogenic (PMID: 8782044, 11251574).

Literature cited by the submitters: PubMed 8782044 (cited by Labcorp Genetics (formerly Invitae), Labcorp); PubMed 11251574 (cited by Labcorp Genetics (formerly Invitae), Labcorp).

NM_000262.3(NAGA):c.665G>A (p.Trp222Ter)

Gene: NAGA (alpha-N-acetylgalactosaminidase; minus strand). Cytogenetic location: 22q13.2.
Variant type: single nucleotide variant.
Coding change: c.665G>A on transcript NM_000262.3 (MANE Select); coding-DNA position 665, G replaced by A.
Protein change: p.Trp222Ter; replaces tryptophan 222 with a stop codon.
Molecular consequence: nonsense.
Genome position (GRCh38, 1-based): chr22:42,065,832, C>T on the plus strand (G>A on the coding strand, the complement: NAGA is on the minus strand). VCF-style: chr22-42065832-C-T. GRCh37 (hg19) VCF-style: chr22-42461836-C-T.
Other names: c.665G>A, p.Trp222Ter (NM_001362848.1, NM_001362850.1); short protein forms W222*.
Identifiers: ClinVar variation 2724906 (VCV002724906.4), dbSNP rs1926691614, ClinGen allele CA411768265.
Genomic context (GRCh38, chr22:42,065,832, plus strand): 5'-ACTGGCTGCAGTATGTCCTGGTGCTCCACGAACCAATTCAGGATGGAGAGCACGCTCCAC[C>T]AGGAGTCCTGGATGTCATCATAGTTACGCCAGAGGTTGCAGATGTCCGCCAGCAGACTGT-3'